The following is an entry in ClinVar:

NM_005419.4(STAT2):c.2008C>T (p.Arg670Trp)

Gene: STAT2 (signal transducer and activator of transcription 2; minus strand). Cytogenetic location: 12q13.3.
Variant type: single nucleotide variant.
Coding change: c.2008C>T on transcript NM_005419.4 (MANE Select); coding-DNA position 2008, C replaced by T.
Protein change: p.Arg670Trp; replaces arginine 670 with tryptophan.
Molecular consequence: missense variant.
Genome position (GRCh38, 1-based): chr12:56,346,478, G>A on the plus strand (C>T on the coding strand, the complement: STAT2 is on the minus strand). VCF-style: chr12-56346478-G-A. GRCh37 (hg19) VCF-style: chr12-56740262-G-A.
Other names: c.1975C>T, p.Arg659Trp (NM_001385110.1); c.1909C>T, p.Arg637Trp (NM_001385111.1); c.2008C>T, p.Arg670Trp (NM_001385113.1); c.1987C>T, p.Arg663Trp (NM_001385114.1); c.1966C>T, p.Arg656Trp (NM_001385115.1); c.1996C>T, p.Arg666Trp (NM_198332.2); short protein forms R637W, R656W, R659W, R663W, R666W, R670W.
Identifiers: ClinVar variation 1019714 (VCV001019714.6), dbSNP rs1330342244, ClinGen allele CA385259574.

ClinVar aggregate classification (germline): Uncertain significance (1 of 4 stars; one submission).

Conditions:
Primary immunodeficiency with post-measles-mumps-rubella vaccine viral infection. Also called: Immunodeficiency 44. Identifiers: Orphanet 431166, MedGen C4225260, MONDO:0014715, OMIM 616636.

Allele frequency attached by ClinVar (database versions not stated): gnomAD exomes below 0.00001; TOPMed 0.00001.
gnomAD v4.1: 8 of 1,614,072 alleles (0.0005%); highest among the groups gnomAD compares: Non-Finnish European, 0.00059%; no homozygotes.

Submission:

Labcorp Genetics (formerly Invitae), Labcorp
Classification: Uncertain significance for Primary immunodeficiency with post-measles-mumps-rubella vaccine viral infection. Last evaluated: 2022-07-25. Review status: criteria provided, single submitter. Criteria: Invitae Variant Classification Sherloc (09022015). Collection method: clinical testing. Allele origin: germline.
Comment: This sequence change replaces arginine, which is basic and polar, with tryptophan, which is neutral and slightly polar, at codon 670 of the STAT2 protein (p.Arg670Trp). This variant is present in population databases (no rsID available, gnomAD 0.0009%). This variant has not been reported in the literature in individuals affected with STAT2-related conditions. ClinVar contains an entry for this variant (Variation ID: 1019714). Advanced modeling of protein sequence and biophysical properties (such as structural, functional, and spatial information, amino acid conservation, physicochemical variation, residue mobility, and thermodynamic stability) performed at Invitae indicates that this missense variant is expected to disrupt STAT2 protein function. In summary, the available evidence is currently insufficient to determine the role of this variant in disease. Therefore, it has been classified as a Variant of Uncertain Significance.